The following is an entry in ClinVar:

NM_177438.3(DICER1):c.4607G>C (p.Gly1536Ala)

Gene: DICER1 (dicer 1, ribonuclease III; minus strand). Cytogenetic location: 14q32.13.
Variant type: single nucleotide variant.
Coding change: c.4607G>C on transcript NM_177438.3 (MANE Select); coding-DNA position 4607, G replaced by C.
Protein change: p.Gly1536Ala; replaces glycine 1536 with alanine.
Molecular consequence: missense variant. On other transcripts: non-coding transcript variant (6).
Genome position (GRCh38, 1-based): chr14:95,096,313, C>G on the plus strand (G>C on the coding strand, the complement: DICER1 is on the minus strand). VCF-style: chr14-95096313-C-G. GRCh37 (hg19) VCF-style: chr14-95562650-C-G.
Other names: c.4607G>C, p.Gly1536Ala (NM_001195573.1, NM_001271282.3, NM_001291628.2 and 13 more transcripts); c.4325G>C, p.Gly1442Ala (NM_001395686.1); c.4202G>C, p.Gly1401Ala (NM_001395687.1, NM_001395688.1, NM_001395689.1 and 2 more transcripts); c.4040G>C, p.Gly1347Ala (NM_001395691.1); c.2924G>C, p.Gly975Ala (NM_001395697.1); short protein forms G1347A, G1442A, G1536A, G1401A, G975A.
Identifiers: ClinVar variation 1741851 (VCV001741851.2), dbSNP rs1486849070, ClinGen allele CA390867702.

ClinVar aggregate classification (germline): Uncertain significance (1 of 4 stars; one submission).

Conditions:
Hereditary cancer-predisposing syndrome. Also called: Hereditary Cancer Syndrome; Hereditary neoplastic syndrome; Neoplastic Syndromes, Hereditary; Tumor predisposition. Identifiers: Orphanet 140162, MedGen C0027672, MeSH D009386, MONDO:0015356.

Submission:

Ambry Genetics
Classification: Uncertain significance for Hereditary cancer-predisposing syndrome. Last evaluated: 2020-07-02. Review status: criteria provided, single submitter. Criteria: Ambry Variant Classification Scheme 2023. Collection method: clinical testing. Allele origin: germline.
Comment: The p.G1536A variant (also known as c.4607G>C), located in coding exon 22 of the DICER1 gene, results from a G to C substitution at nucleotide position 4607. The glycine at codon 1536 is replaced by alanine, an amino acid with similar properties. This amino acid position is highly conserved in available vertebrate species. In addition, this alteration is predicted to be deleterious by in silico analysis. Since supporting evidence is limited at this time, the clinical significance of this alteration remains unclear.